The following is an entry in ClinVar:

NM_006231.4(POLE):c.1885G>T (p.Ala629Ser)

Gene: POLE (DNA polymerase epsilon, catalytic subunit; minus strand). Cytogenetic location: 12q24.33.
Variant type: single nucleotide variant.
Coding change: c.1885G>T on transcript NM_006231.4 (MANE Select); coding-DNA position 1885, G replaced by T.
Protein change: p.Ala629Ser; replaces alanine 629 with serine.
Molecular consequence: missense variant.
Genome position (GRCh38, 1-based): chr12:132,668,849, C>A on the plus strand (G>T on the coding strand, the complement: POLE is on the minus strand). VCF-style: chr12-132668849-C-A. GRCh37 (hg19) VCF-style: chr12-133245435-C-A.
Other names: short protein forms A629S.
Identifiers: ClinVar variation 1418565 (VCV001418565.8), dbSNP rs1481858602, ClinGen allele CA387355345.

ClinVar aggregate classification (germline): Uncertain significance (1 of 4 stars; one submission).

gnomAD v4.1: 1 of 1,613,928 alleles (0.000062%); highest among the groups gnomAD compares: Admixed American, 0.0017%; no homozygotes.

Submission:

Labcorp Genetics (formerly Invitae), Labcorp
Classification: Uncertain significance. Last evaluated: 2025-10-23. Review status: criteria provided, single submitter. Criteria: Invitae Variant Classification Sherloc (09022015). Collection method: clinical testing. Allele origin: germline.
Comment: This sequence change replaces alanine, which is neutral and non-polar, with serine, which is neutral and polar, at codon 629 of the POLE protein (p.Ala629Ser). This variant is not present in population databases (gnomAD no frequency). This variant has not been reported in the literature in individuals affected with POLE-related conditions. ClinVar contains an entry for this variant (Variation ID: 1418565). Invitae Evidence Modeling of protein sequence and biophysical properties (such as structural, functional, and spatial information, amino acid conservation, physicochemical variation, residue mobility, and thermodynamic stability) indicates that this missense variant is expected to disrupt POLE protein function with a positive predictive value of 80%. In summary, the available evidence is currently insufficient to determine the role of this variant in disease. Therefore, it has been classified as a Variant of Uncertain Significance.